The following is an entry in ClinVar:

NM_000368.5(TSC1):c.2452A>G (p.Asn818Asp)

Gene: TSC1 (TSC complex subunit 1; minus strand). Cytogenetic location: 9q34.13.
Variant type: single nucleotide variant.
Coding change: c.2452A>G on transcript NM_000368.5 (MANE Select); coding-DNA position 2452, A replaced by G.
Protein change: p.Asn818Asp; replaces asparagine 818 with aspartic acid.
Molecular consequence: missense variant. On other transcripts: non-coding transcript variant (5).
Genome position (GRCh38, 1-based): chr9:132,901,639, T>C on the plus strand (A>G on the coding strand, the complement: TSC1 is on the minus strand). VCF-style: chr9-132901639-T-C. GRCh37 (hg19) VCF-style: chr9-135777026-T-C.
Other names: c.2449A>G, p.Asn817Asp (NM_001162426.2, NM_001406597.1, NM_001406598.1 and 4 more transcripts); c.2299A>G, p.Asn767Asp (NM_001162427.2, NM_001406610.1); c.2089A>G, p.Asn697Asp (NM_001362177.2, NM_001406624.1, NM_001406614.1 and 5 more transcripts); c.2452A>G, p.Asn818Asp (NM_001406592.1, NM_001406593.1, NM_001406594.1 and 5 more transcripts); c.2437A>G, p.Asn813Asp (NM_001406601.1, NM_001406602.1); c.2434A>G, p.Asn812Asp (NM_001406603.1, NM_001406604.1); c.2296A>G, p.Asn766Asp (NM_001406611.1, NM_001406612.1, NM_001406613.1); c.2086A>G, p.Asn696Asp (NM_001406623.1, NM_001406625.1, NM_001406620.1 and 2 more transcripts); and 3 more; short protein forms N696D, N813D, N817D, N767D, N812D, N501D, N697D, N818D.
Identifiers: ClinVar variation 2625200 (VCV002625200.5), dbSNP rs2538574858, ClinGen allele CA375358540.

ClinVar aggregate classification (germline): Uncertain significance. Review status: criteria provided, multiple submitters, no conflicts (2 of 4 stars). 2 submissions from 2 submitters: Uncertain significance (2). Last evaluated 2023-07-06.

Conditions:
Hereditary cancer-predisposing syndrome. Also called: Tumor predisposition; Neoplastic Syndromes, Hereditary; Hereditary Cancer Syndrome; Hereditary neoplastic syndrome. Identifiers: Orphanet 140162, MedGen C0027672, MeSH D009386, MONDO:0015356.
Tuberous sclerosis 1 (TSC1). Identifiers: Orphanet 805, MedGen C1854465, MONDO:0008612, OMIM 191100.

Submissions (2):

Ambry Genetics
Classification: Uncertain significance for Hereditary cancer-predisposing syndrome. Last evaluated: 2023-07-06. Review status: criteria provided, single submitter. Criteria: Ambry Variant Classification Scheme 2023. Collection method: clinical testing. Allele origin: germline.
Comment: The p.N818D variant (also known as c.2452A>G), located in coding exon 17 of the TSC1 gene, results from an A to G substitution at nucleotide position 2452. The asparagine at codon 818 is replaced by aspartic acid, an amino acid with highly similar properties. This amino acid position is conserved. In addition, this alteration is predicted to be tolerated by in silico analysis. Since supporting evidence is limited at this time, the clinical significance of this alteration remains unclear.

Labcorp Genetics (formerly Invitae), Labcorp
Classification: Uncertain significance for Tuberous sclerosis 1. Last evaluated: 2022-11-12. Review status: criteria provided, single submitter. Criteria: Invitae Variant Classification Sherloc (09022015). Collection method: clinical testing. Allele origin: germline.
Comment: In summary, the available evidence is currently insufficient to determine the role of this variant in disease. Therefore, it has been classified as a Variant of Uncertain Significance. This sequence change replaces asparagine, which is neutral and polar, with aspartic acid, which is acidic and polar, at codon 818 of the TSC1 protein (p.Asn818Asp). This variant is not present in population databases (gnomAD no frequency). This variant has not been reported in the literature in individuals affected with TSC1-related conditions. Advanced modeling of protein sequence and biophysical properties (such as structural, functional, and spatial information, amino acid conservation, physicochemical variation, residue mobility, and thermodynamic stability) performed at Invitae indicates that this missense variant is not expected to disrupt TSC1 protein function.